The following is an entry in ClinVar:

ClinVar aggregate classification (germline): Uncertain significance (1 of 4 stars; one submission).

Conditions:
Early-infantile DEE. Also called: Early infantile epileptic encephalopathy with suppression bursts; Early infantile epileptic encephalopathy; Ohtahara syndrome. Identifiers: Orphanet 1934, MedGen C0393706, MONDO:0800491.

gnomAD v4.1: 1 of 1,447,254 alleles (0.000069%); highest among the groups gnomAD compares: Non-Finnish European, 0.000091%; no homozygotes.

Submission:

Labcorp Genetics (formerly Invitae), Labcorp
Classification: Uncertain significance for Early-infantile DEE. Last evaluated: 2018-07-02. Review status: criteria provided, single submitter. Criteria: Invitae Variant Classification Sherloc (09022015). Collection method: clinical testing. Allele origin: germline.
Comment: In summary, the available evidence is currently insufficient to determine the role of this variant in disease. Therefore, it has been classified as a Variant of Uncertain Significance. Algorithms developed to predict the effect of missense changes on protein structure and function (SIFT, PolyPhen-2, Align-GVGD) all suggest that this variant is likely to be tolerated, but these predictions have not been confirmed by published functional studies and their clinical significance is uncertain. This variant has not been reported in the literature in individuals with KCNH5-related disease. This variant is not present in population databases (ExAC no frequency). This sequence change replaces aspartic acid with valine at codon 984 of the KCNH5 protein (p.Asp984Val). The aspartic acid residue is moderately conserved and there is a large physicochemical difference between aspartic acid and valine.

NM_139318.5(KCNH5):c.2951A>T (p.Asp984Val)

Gene: KCNH5 (potassium voltage-gated channel subfamily H member 5; minus strand). Cytogenetic location: 14q23.2.
Variant type: single nucleotide variant.
Coding change: c.2951A>T on transcript NM_139318.5 (MANE Select); coding-DNA position 2951, A replaced by T.
Protein change: p.Asp984Val; replaces aspartic acid 984 with valine.
Molecular consequence: missense variant. On other transcripts: 3 prime UTR variant (1).
Genome position (GRCh38, 1-based): chr14:62,707,524, T>A on the plus strand (A>T on the coding strand, the complement: KCNH5 is on the minus strand). VCF-style: chr14-62707524-T-A. GRCh37 (hg19) VCF-style: chr14-63174242-T-A.
Other names: c.*918A>T (NM_172375.3); short protein forms D984V.
Identifiers: ClinVar variation 575955 (VCV000575955.10), dbSNP rs1566633394, ClinGen allele CA390099472.
Genomic context (GRCh38, chr14:62,707,524, plus strand): 5'-GTATATACTGTTTTAATATATTAACAAATATATATGTATATATATTAAAAGTGGATTTCA[T>A]CTTTGTCAGATTCAGGTGATTCAGGCCTTGAGACACTAAAAATATCCTGACATGGTATCT-3'
Protein context (NP_647479.2, residues 974-988): SRPESPESDK[Asp984Val]EIHF